The following is an entry in ClinVar:

NM_002468.5(MYD88):c.259G>A (p.Gly87Ser)

Gene: MYD88 (MYD88 innate immune signal transduction adaptor; plus strand). Cytogenetic location: 3p22.2.
Variant type: single nucleotide variant.
Coding change: c.259G>A on transcript NM_002468.5 (MANE Select); coding-DNA position 259, G replaced by A.
Protein change: p.Gly87Ser; replaces glycine 87 with serine.
Molecular consequence: missense variant.
Genome position (GRCh38, 1-based): chr3:38,138,959, G>A. VCF-style: chr3-38138959-G-A. GRCh37 (hg19) VCF-style: chr3-38180450-G-A.
Other names: c.259G>A, p.Gly87Ser (NM_001172566.2, NM_001172567.2, NM_001172568.2 and 4 more transcripts); short protein forms G100S, G87S.
Identifiers: ClinVar variation 1957984 (VCV001957984.5), dbSNP rs199680721, ClinGen allele CA2316063.

ClinVar aggregate classification (germline): Uncertain significance (1 of 4 stars; one submission).

Conditions:
Pyogenic bacterial infections due to MyD88 deficiency (IMD68). Also called: PYOGENIC BACTERIAL INFECTIONS, RECURRENT, DUE TO MYD88 DEFICIENCY. Identifiers: Orphanet 183713, MedGen C2677092, MONDO:0012839, OMIM 612260.

Allele frequency attached by ClinVar (database versions not stated): gnomAD exomes below 0.00001; ExAC 0.00001; TOPMed 0.00001; ESP Exome Variant Server 0.00008.

Submission:

Labcorp Genetics (formerly Invitae), Labcorp
Classification: Uncertain significance for Pyogenic bacterial infections due to MyD88 deficiency. Last evaluated: 2022-05-10. Review status: criteria provided, single submitter. Criteria: Invitae Variant Classification Sherloc (09022015). Collection method: clinical testing. Allele origin: germline.
Comment: In summary, the available evidence is currently insufficient to determine the role of this variant in disease. Therefore, it has been classified as a Variant of Uncertain Significance. Algorithms developed to predict the effect of missense changes on protein structure and function output the following: SIFT: "Deleterious"; PolyPhen-2: "Possibly Damaging"; Align-GVGD: "Class C55". The serine amino acid residue is found in multiple mammalian species, which suggests that this missense change does not adversely affect protein function. This variant has not been reported in the literature in individuals affected with MYD88-related conditions. This variant is present in population databases (rs199680721, gnomAD 0.007%). This sequence change replaces glycine, which is neutral and non-polar, with serine, which is neutral and polar, at codon 100 of the MYD88 protein (p.Gly100Ser).